The following is an entry in ClinVar:

ClinVar aggregate classification (germline): Uncertain significance (1 of 4 stars; one submission).

Conditions:
Developmental and epileptic encephalopathy, 1 (DEE1). Also called: X-linked infantile spasms; West's syndrome; Tonic spasms with clustering, arrest of psychomotor development and hypsarrhythmia on EEG; X-Linked Infantile Spasm Syndrome; OHTAHARA SYNDROME, X-LINKED; INFANTILE SPASM SYNDROME, X-LINKED 1. Identifiers: MedGen C3463992, MONDO:0010632, OMIM 308350. Disease mechanism: loss of function.
Autosomal dominant nonsyndromic hearing loss 65. Also called: Deafness, autosomal dominant 65; TBC1D24-Related Autosomal Dominant Nonsyndromic Hearing Loss (DFNA). Identifiers: Orphanet 90635, MedGen C3892048, MONDO:0014470, OMIM 616044.

Allele frequency attached by ClinVar (database versions not stated): ExAC 0.00002; gnomAD exomes below 0.00001.

Submission:

Labcorp Genetics (formerly Invitae), Labcorp
Classification: Uncertain significance for Developmental and epileptic encephalopathy, 1; Autosomal dominant nonsyndromic hearing loss 65. Last evaluated: 2022-02-19. Review status: criteria provided, single submitter. Criteria: Invitae Variant Classification Sherloc (09022015). Collection method: clinical testing. Allele origin: germline.
Comment: This sequence change replaces serine, which is neutral and polar, with proline, which is neutral and non-polar, at codon 281 of the TBC1D24 protein (p.Ser281Pro). This variant is present in population databases (rs780351313, gnomAD 0.006%). This variant has not been reported in the literature in individuals affected with TBC1D24-related conditions. Algorithms developed to predict the effect of missense changes on protein structure and function are either unavailable or do not agree on the potential impact of this missense change (SIFT: "Deleterious"; PolyPhen-2: "Benign"; Align-GVGD: "Class C0"). In summary, the available evidence is currently insufficient to determine the role of this variant in disease. Therefore, it has been classified as a Variant of Uncertain Significance.

NM_001199107.2(TBC1D24):c.841T>C (p.Ser281Pro)

Gene: TBC1D24 (TBC1 domain family member 24; plus strand). Cytogenetic location: 16p13.3.
Variant type: single nucleotide variant.
Coding change: c.841T>C on transcript NM_001199107.2 (MANE Select); coding-DNA position 841, T replaced by C.
Protein change: p.Ser281Pro; replaces serine 281 with proline.
Molecular consequence: missense variant.
Genome position (GRCh38, 1-based): chr16:2,496,989, T>C. VCF-style: chr16-2496989-T-C. GRCh37 (hg19) VCF-style: chr16-2546990-T-C.
Other names: c.841T>C, p.Ser281Pro (NM_020705.3); short protein forms S281P.
Identifiers: ClinVar variation 1927083 (VCV001927083.5), dbSNP rs780351313, ClinGen allele CA7844085.
Genomic context (GRCh38, chr16:2,496,989, plus strand): 5'-GAGTCGGACAGCGTGAAGCAGGACATCCGCACGTTCGTCAGAGACATCGCGAAGACGGTG[T>C]CCCCTGAGAAGCTGCTGGAGAAAGCGTTCGCCATCCGCCTCTTCTCCCGCAAGGAGATCC-3'
Protein context (NP_001186036.1, residues 271-291): TFVRDIAKTV[Ser281Pro]PEKLLEKAFA